The following is an entry in ClinVar:

ClinVar aggregate classification (germline): Pathogenic/Likely pathogenic. Review status: criteria provided, multiple submitters, no conflicts (2 of 4 stars). 2 submissions from 2 submitters: Pathogenic (1); Likely pathogenic (1). Last evaluated 2023-03-17.

Allele frequency attached by ClinVar (database versions not stated): gnomAD exomes below 0.00001; ExAC 0.00001; gnomAD 0.00001; 1000 Genomes Project 0.00020; 1000 Genomes Project 30x 0.00031.

Submissions (2):

Labcorp Genetics (formerly Invitae), Labcorp
Classification: Pathogenic. Last evaluated: 2023-03-17. Review status: criteria provided, single submitter. Criteria: Invitae Variant Classification Sherloc (09022015). Collection method: clinical testing. Allele origin: germline.
Comment: This variant has not been reported in the literature in individuals affected with ERCC8-related conditions. ClinVar contains an entry for this variant (Variation ID: 816991). Algorithms developed to predict the effect of sequence changes on RNA splicing suggest that this variant may disrupt the consensus splice site. For these reasons, this variant has been classified as Pathogenic. This sequence change creates a premature translational stop signal (p.Ser117*) in the ERCC8 gene. It is expected to result in an absent or disrupted protein product. Loss-of-function variants in ERCC8 are known to be pathogenic (PMID: 29572252). This variant is present in population databases (rs545036754, gnomAD 0.007%).

GeneDx
Classification: Likely pathogenic. Last evaluated: 2019-03-18. Review status: criteria provided, single submitter. Criteria: GeneDx Variant Classification (06012015). Collection method: clinical testing. Allele origin: germline. Affected: yes.
Comment: The S117X variant has not been published as a pathogenic variant, nor has it been reported as a benign variant to our knowledge. The S117X variant is not observed at a significant frequency in large population cohorts (Lek et al., 2016). The S117X nonsense variant is predicted to cause loss of normal protein function either through protein truncation or nonsense-mediated mRNA decay. Therefore, this variant is likely pathogenic; however, the possibility that it is benign cannot be excluded.

Literature cited by the submitters: PubMed 29572252 (cited by Labcorp Genetics (formerly Invitae), Labcorp).

NM_000082.4(ERCC8):c.350C>A (p.Ser117Ter)

Genes: ERCC8 (ERCC excision repair 8, CSA ubiquitin ligase complex subunit; minus strand), ERCC8-AS1 (ERCC8 antisense RNA 1; plus strand). Cytogenetic location: 5q12.1.
Variant type: single nucleotide variant.
Coding change: c.350C>A on transcript NM_000082.4 (MANE Select); coding-DNA position 350, C replaced by A.
Protein change: p.Ser117Ter; replaces serine 117 with a stop codon.
Molecular consequence: nonsense. On other transcripts: 5 prime UTR variant (1).
Genome position (GRCh38, 1-based): chr5:60,918,314, G>T on the plus strand (C>A on the coding strand, the complement: ERCC8 is on the minus strand). VCF-style: chr5-60918314-G-T. GRCh37 (hg19) VCF-style: chr5-60214141-G-T.
Other names: c.176C>A, p.Ser59Ter (NM_001007233.3); c.350C>A, p.Ser117Ter (NM_001007234.3); c.-28C>A (NM_001290285.2); short protein forms S117*, S59*.
Identifiers: ClinVar variation 816991 (VCV000816991.4), dbSNP rs545036754, ClinGen allele CA3277881.